The following is an entry in ClinVar:

NM_000297.4(PKD2):c.2893A>G (p.Asn965Asp)

Gene: PKD2 (polycystin 2, transient receptor potential cation channel; plus strand). Cytogenetic location: 4q22.1.
Variant type: single nucleotide variant.
Coding change: c.2893A>G on transcript NM_000297.4 (MANE Select); coding-DNA position 2893, A replaced by G.
Protein change: p.Asn965Asp; replaces asparagine 965 with aspartic acid.
Molecular consequence: missense variant. On other transcripts: non-coding transcript variant (1).
Genome position (GRCh38, 1-based): chr4:88,075,680, A>G. VCF-style: chr4-88075680-A-G. GRCh37 (hg19) VCF-style: chr4-88996832-A-G.
Other names: c.2668A>G, p.Asn890Asp (NM_001440544.1); short protein forms N890D, N965D.
Identifiers: ClinVar variation 4746746 (VCV004746746.1).

ClinVar aggregate classification (germline): Uncertain significance (1 of 4 stars; one submission).

Conditions:
Autosomal dominant polycystic kidney disease. Identifiers: Orphanet 730, MedGen C0085413, MONDO:0004691.

gnomAD v4.1: 9 of 1,609,286 alleles (0.00056%); highest among the groups gnomAD compares: African/African-American, 0.0013%; no homozygotes.

Submission:

Labcorp Genetics (formerly Invitae), Labcorp
Classification: Uncertain significance for Autosomal dominant polycystic kidney disease. Last evaluated: 2025-05-14. Review status: criteria provided, single submitter. Criteria: Invitae Variant Classification Sherloc (09022015). Collection method: clinical testing. Allele origin: germline.
Comment: This sequence change replaces asparagine, which is neutral and polar, with aspartic acid, which is acidic and polar, at codon 965 of the PKD2 protein (p.Asn965Asp). This variant is present in population databases (rs753789248, gnomAD 0.0009%). This variant has not been reported in the literature in individuals affected with PKD2-related conditions. An algorithm developed to predict the effect of missense changes on protein structure and function (PolyPhen-2) suggests that this variant is likely to be tolerated. In summary, the available evidence is currently insufficient to determine the role of this variant in disease. Therefore, it has been classified as a Variant of Uncertain Significance.